The following is an entry in ClinVar:

NM_012448.4(STAT5B):c.1337C>T (p.Ser446Phe)

Gene: STAT5B (signal transducer and activator of transcription 5B; minus strand). Cytogenetic location: 17q21.2.
Variant type: single nucleotide variant.
Coding change: c.1337C>T on transcript NM_012448.4 (MANE Select); coding-DNA position 1337, C replaced by T.
Protein change: p.Ser446Phe; replaces serine 446 with phenylalanine.
Molecular consequence: missense variant.
Genome position (GRCh38, 1-based): chr17:42,217,203, G>A on the plus strand (C>T on the coding strand, the complement: STAT5B is on the minus strand). VCF-style: chr17-42217203-G-A. GRCh37 (hg19) VCF-style: chr17-40369221-G-A.
Other names: short protein forms S446F.
Identifiers: ClinVar variation 645970 (VCV000645970.10), dbSNP rs1598301960, ClinGen allele CA399581098.
Genomic context (GRCh38, chr17:42,217,203, plus strand): 5'-CTGAGGGAAGGCTTTACCTTGACTTGAAAAACCAGCTCATTTCCACCAACACTGAACTGG[G>A]ATTCAAACAGGATTGTAAATTTTTCTTCTGTCACCGACTCTGCCCCACGACGGTCTGACC-3'
Protein context (NP_036580.2, residues 436-456): TEEKFTILFE[Ser446Phe]QFSVGGNELV

ClinVar aggregate classification (germline): Uncertain significance. Review status: criteria provided, multiple submitters, no conflicts (2 of 4 stars). 3 submissions from 3 submitters: Uncertain significance (3). Last evaluated 2024-05-15.

Conditions:
Growth hormone insensitivity with immune dysregulation 1, autosomal recessive. Also called: Laron syndrome with immunodeficiency; GROWTH HORMONE INSENSITIVITY DUE TO POSTRECEPTOR DEFECT; LARON SYNDROME DUE TO POSTRECEPTOR DEFECT; GROWTH HORMONE INSENSITIVITY SYNDROME WITH IMMUNE DYSREGULATION 1, AUTOSOMAL RECESSIVE. Identifiers: Orphanet 220465, MedGen C5435698, MONDO:0100211, OMIM 245590.
Inborn genetic diseases. Identifiers: MedGen C0950123, MeSH D030342.

Submissions (3):

Ambry Genetics
Classification: Uncertain significance for Inborn genetic diseases. Last evaluated: 2024-05-15. Review status: criteria provided, single submitter. Criteria: Ambry Variant Classification Scheme 2023. Collection method: clinical testing. Allele origin: germline.

GeneDx
Classification: Uncertain significance. Last evaluated: 2023-01-13. Review status: criteria provided, single submitter. Criteria: GeneDx Variant Classification Process June 2021. Collection method: clinical testing. Allele origin: germline. Affected: yes.
Comment: Not observed at significant frequency in large population cohorts (gnomAD); In silico analysis supports that this missense variant has a deleterious effect on protein structure/function; Has not been previously published as pathogenic or benign to our knowledge

Labcorp Genetics (formerly Invitae), Labcorp
Classification: Uncertain significance for Growth hormone insensitivity with immune dysregulation 1, autosomal recessive. Last evaluated: 2020-07-24. Review status: criteria provided, single submitter. Criteria: Invitae Variant Classification Sherloc (09022015). Collection method: clinical testing. Allele origin: germline.
Comment: This variant has not been reported in the literature in individuals with STAT5B-related disease. In summary, the available evidence is currently insufficient to determine the role of this variant in disease. Therefore, it has been classified as a Variant of Uncertain Significance. Algorithms developed to predict the effect of missense changes on protein structure and function are either unavailable or do not agree on the potential impact of this missense change (SIFT: "Deleterious"; PolyPhen-2: "Benign"; Align-GVGD: "Class C25"). This variant is not present in population databases (ExAC no frequency). This sequence change replaces serine with phenylalanine at codon 446 of the STAT5B protein (p.Ser446Phe). The serine residue is highly conserved and there is a large physicochemical difference between serine and phenylalanine.